The following is an entry in ClinVar:

ClinVar aggregate classification (germline): Uncertain significance. Review status: criteria provided, multiple submitters, no conflicts (2 of 4 stars). 5 submissions from 5 submitters: Uncertain significance (5). Last evaluated 2026-07-01.

Conditions:
Inborn genetic diseases. Identifiers: MedGen C0950123, MeSH D030342.
Developmental and epileptic encephalopathy, 68. Also called: EPILEPTIC ENCEPHALOPATHY, EARLY INFANTILE, 68. Identifiers: MedGen C4748688, MONDO:0032598, OMIM 618201.

Allele frequency attached by ClinVar (database versions not stated): 1000 Genomes Project 30x 0.00016; 1000 Genomes Project 0.00020; gnomAD 0.00033 and 0.00034; TOPMed 0.00038; gnomAD exomes 0.00056 and 0.00058; ExAC 0.00065; ESP Exome Variant Server 0.00088.
gnomAD v4.1: 876 of 1,614,204 alleles (0.054%); highest among the groups gnomAD compares: Non-Finnish European, 0.066%; 1 homozygote.

Submissions (5):

CeGaT Center for Human Genetics Tuebingen
Classification: Uncertain significance. Last evaluated: 2026-07-01. Review status: criteria provided, single submitter. Criteria: CeGaT Center For Human Genetics Tuebingen Variant Classification Criteria Version 2. Collection method: clinical testing. Allele origin: germline. Affected: yes. Observed: 1 variant allele.

Labcorp Genetics (formerly Invitae), Labcorp
Classification: Uncertain significance. Last evaluated: 2026-01-05. Review status: criteria provided, single submitter. Criteria: Invitae Variant Classification Sherloc (09022015). Collection method: clinical testing. Allele origin: germline.
Comment: This sequence change replaces proline, which is neutral and non-polar, with leucine, which is neutral and non-polar, at codon 782 of the TRAK1 protein (p.Pro782Leu). This variant is present in population databases (rs112854798, gnomAD 0.09%), and has an allele count higher than expected for a pathogenic variant. This variant has not been reported in the literature in individuals affected with TRAK1-related conditions. ClinVar contains an entry for this variant (Variation ID: 1031010). An algorithm developed to predict the effect of missense changes on protein structure and function (PolyPhen-2) suggests that this variant is likely to be disruptive. In summary, the available evidence is currently insufficient to determine the role of this variant in disease. Therefore, it has been classified as a Variant of Uncertain Significance.

Blueprint Genetics
Classification: Uncertain significance. Last evaluated: 2024-10-17. Review status: criteria provided, single submitter. Criteria: ACMG Guidelines, 2015. Collection method: clinical testing. Allele origin: germline.

Ambry Genetics
Classification: Uncertain significance for Inborn genetic diseases. Last evaluated: 2024-08-09. Review status: criteria provided, single submitter. Criteria: Ambry Variant Classification Scheme 2023. Collection method: clinical testing. Allele origin: germline.

Baylor Genetics
Classification: Uncertain significance for Developmental and epileptic encephalopathy, 68. Last evaluated: 2019-08-23. Review status: criteria provided, single submitter. Criteria: ACMG Guidelines, 2015. Collection method: clinical testing. Allele origin: unknown. Affected: yes.
Comment: This variant was determined to be of uncertain significance according to ACMG Guidelines, 2015 [PMID:25741868].

NM_001042646.3(TRAK1):c.2345C>T (p.Pro782Leu)

Gene: TRAK1 (trafficking kinesin protein 1; plus strand). Cytogenetic location: 3p22.1.
Variant type: single nucleotide variant.
Coding change: c.2345C>T on transcript NM_001042646.3 (MANE Select); coding-DNA position 2345, C replaced by T.
Protein change: p.Pro782Leu; replaces proline 782 with leucine.
Molecular consequence: missense variant. On other transcripts: 3 prime UTR variant (1), non-coding transcript variant (1).
Genome position (GRCh38, 1-based): chr3:42,223,220, C>T. VCF-style: chr3-42223220-C-T. GRCh37 (hg19) VCF-style: chr3-42264712-C-T.
Other names: c.1970C>T, p.Pro657Leu (NM_001349245.1); c.2282C>T, p.Pro761Leu (NM_001349246.2); c.*299C>T (NM_001349247.2); c.2060C>T, p.Pro687Leu (NM_001349248.1); c.2123C>T, p.Pro708Leu (NM_001349249.1); c.2345C>T (NM_001042646.1); short protein forms P761L, P687L, P657L, P708L, P782L.
Identifiers: ClinVar variation 1031010 (VCV001031010.8), dbSNP rs112854798, ClinGen allele CA2333836.